The following is an entry in ClinVar:

NC_000010.10:g.(?_88428449)_(88659903_?)dup

Genes: LDB3 (LIM domain binding 3; plus strand), BMPR1A (bone morphogenetic protein receptor type 1A; plus strand). Cytogenetic location: 10q23.2.
Variant type: Duplication.
Identifiers: ClinVar variation 3244837 (VCV003244837.1).

ClinVar aggregate classification (germline): Uncertain significance (1 of 4 stars; one submission).

Conditions:
Myofibrillar myopathy 4. Also called: Zaspopathy (type). Identifiers: Orphanet 98912, MedGen C4721886, MONDO:0012277, OMIM 609452.

Submission:

Labcorp Genetics (formerly Invitae), Labcorp
Classification: Uncertain significance for Myofibrillar myopathy 4. Last evaluated: 2023-06-09. Review status: criteria provided, single submitter. Criteria: Invitae Variant Classification Sherloc (09022015). Collection method: clinical testing. Allele origin: unknown.
Comment: In summary, the available evidence is currently insufficient to determine the role of this variant in disease. Therefore, it has been classified as a Variant of Uncertain Significance. Experimental studies and prediction algorithms are not available or were not evaluated, and the functional significance of this variant is currently unknown. This variant has not been reported in the literature in individuals affected with LDB3-related conditions. A copy number gain of the genomic region encompassing the full coding sequence of the LDB3 gene has been identified. The boundaries of this event are unknown as they extend beyond the assayed region for this gene and therefore may encompass additional genes. As the precise location of this event is unknown, it may be in tandem or it may be located elsewhere in the genome.